The following is an entry in ClinVar:

ClinVar aggregate classification (germline): Conflicting classifications of pathogenicity. Review status: criteria provided, conflicting classifications (1 of 4 stars). 5 submissions from 5 submitters: Uncertain significance (3); Likely benign (1). 1 of the submissions does not count toward it. Last evaluated 2026-07-01.

Conditions:
Glycogen storage disease, type II (IOPD). Also called: Pompe Disease; CARDIOMEGALIA GLYCOGENICA DIFFUSA; GLYCOGENOSIS, GENERALIZED, CARDIAC FORM; GSD II; POMPE DISEASE, INFANTILE-ONSET; GLYCOGEN STORAGE DISEASE II, INFANTILE-ONSET. Identifiers: Orphanet 365, MedGen C0017921, MONDO:0009290, OMIM 232300.

Allele frequency attached by ClinVar (database versions not stated): gnomAD exomes 0.00001; ExAC 0.00002.
gnomAD v4.1: 10 of 1,612,486 alleles (0.00062%); highest among the groups gnomAD compares: Non-Finnish European, 0.00076%; no homozygotes.

Submissions (5):

Genomenon, Inc
Classification: Likely benign for Glycogen storage disease, type II. Last evaluated: 2026-07-01. Review status: criteria provided, single submitter. Criteria: Genomenon Sequence Variant Interpretation Standards - Updated. Collection method: curation. Allele origin: germline. Affected: no.
Comment: GAA p.Ser410Phe (c.1229C>T) is a missense variant that changes the amino acid at codon 410 from Serine to Phenylalanine. This variant has been reported in the published literature (PMID:18425781;31228295). Well-established functional studies show no damaging effect of this variant on protein function, supporting a benign classification (PMID:18425781). It is absent or not present at a significant frequency in gnomAD. In silico models predict that this variant is not damaging. In conclusion, we classify GAA p.Ser410Phe (c.1229C>T) as a likely benign variant.

Labcorp Genetics (formerly Invitae), Labcorp
Classification: Uncertain significance for Glycogen storage disease, type II. Last evaluated: 2023-11-02. Review status: criteria provided, single submitter. Criteria: Invitae Variant Classification Sherloc (09022015). Collection method: clinical testing. Allele origin: germline.
Comment: This sequence change replaces serine, which is neutral and polar, with phenylalanine, which is neutral and non-polar, at codon 410 of the GAA protein (p.Ser410Phe). This variant is present in population databases (rs777431563, gnomAD 0.002%). This missense change has been observed in individual(s) with Pompe disease (PMID: 18425781). ClinVar contains an entry for this variant (Variation ID: 650087). Advanced modeling of protein sequence and biophysical properties (such as structural, functional, and spatial information, amino acid conservation, physicochemical variation, residue mobility, and thermodynamic stability) performed at Invitae indicates that this missense variant is not expected to disrupt GAA protein function with a negative predictive value of 95%. In summary, the available evidence is currently insufficient to determine the role of this variant in disease. Therefore, it has been classified as a Variant of Uncertain Significance.

Genome-Nilou Lab
Classification: Uncertain significance for Glycogen storage disease, type II. Last evaluated: 2021-09-05. Review status: criteria provided, single submitter. Criteria: ACMG Guidelines, 2015. Collection method: clinical testing. Allele origin: germline. Affected: no.

GeneDx
Classification: Uncertain significance. Last evaluated: 2019-06-06. Review status: criteria provided, single submitter. Criteria: GeneDx Variant Classification Process June 2021. Collection method: clinical testing. Allele origin: germline. Affected: yes.
Comment: Reported as a non-pathogenic variant identified in a cohort of patients with Pompe disease (Kroos et al., 2008); In silico analysis, which includes protein predictors and evolutionary conservation, supports a deleterious effect; Not observed at a significant frequency in large population cohorts (Lek et al., 2016); This variant is associated with the following publications: (PMID: 18425781)

Natera, Inc.
Classification: Uncertain significance for Glycogen storage disease type II. Last evaluated: 2025-04-14. Review status: no assertion criteria provided. Collection method: clinical testing. Allele origin: germline. Not counted in ClinVar's aggregate classification.

Literature cited by the submitters: PubMed 18425781 (cited by Genomenon, Inc and Labcorp Genetics (formerly Invitae), Labcorp); PubMed 31228295 (cited by Genomenon, Inc).

NM_000152.5(GAA):c.1229C>T (p.Ser410Phe)

Gene: GAA (alpha glucosidase; plus strand). Cytogenetic location: 17q25.3.
Variant type: single nucleotide variant.
Coding change: c.1229C>T on transcript NM_000152.5 (MANE Select); coding-DNA position 1229, C replaced by T.
Protein change: p.Ser410Phe; replaces serine 410 with phenylalanine.
Molecular consequence: missense variant.
Genome position (GRCh38, 1-based): chr17:80,108,731, C>T. VCF-style: chr17-80108731-C-T. GRCh37 (hg19) VCF-style: chr17-78082530-C-T.
Other names: c.1229C>T (NM_000152.4, LRG_673t1); c.1229C>T, p.Ser410Phe (NM_001079803.3, NM_001079804.3); short protein forms S410F.
Identifiers: ClinVar variation 650087 (VCV000650087.14), dbSNP rs777431563, ClinGen allele CA8815238.